The following is an entry in ClinVar:

NM_020435.4(GJC2):c.1292G>A (p.Arg431Lys)

Gene: GJC2 (gap junction protein gamma 2; plus strand). Cytogenetic location: 1q42.13.
Variant type: single nucleotide variant.
Coding change: c.1292G>A on transcript NM_020435.4 (MANE Select); coding-DNA position 1292, G replaced by A.
Protein change: p.Arg431Lys; replaces arginine 431 with lysine.
Molecular consequence: missense variant.
Genome position (GRCh38, 1-based): chr1:228,159,050, G>A. VCF-style: chr1-228159050-G-A. GRCh37 (hg19) VCF-style: chr1-228346751-G-A.
Other names: short protein forms R431K.
Identifiers: ClinVar variation 5040454 (VCV005040454.1).
Genomic context (GRCh38, chr1:228,159,050, plus strand): 5'-CCCACGAGCGGCCAGGAGCCAAGCCCAGGGCTGGCTCCGAGAAGGGCAGTGCCAGCAGCA[G>A]GGACGGGAAGACCACCGTGTGGATCTGAGGGCGCTGGCTTGCGAGCTGGGCCAGGGAGGA-3'
Protein context (NP_065168.2, residues 421-439): AGSEKGSASS[Arg431Lys]DGKTTVWI

ClinVar aggregate classification (germline): Uncertain significance (1 of 4 stars; one submission).

gnomAD v4.1: 1 of 1,610,494 alleles (0.000062%); highest among the groups gnomAD compares: Non-Finnish European, 0.000085%; no homozygotes.

Submission:

CeGaT Center for Human Genetics Tuebingen
Classification: Uncertain significance. Last evaluated: 2026-08-01. Review status: criteria provided, single submitter. Criteria: CeGaT Center For Human Genetics Tuebingen Variant Classification Criteria Version 2. Collection method: clinical testing. Allele origin: germline. Affected: yes. Observed: 1 variant allele.
Comment: GJC2: PM2